The following is an entry in ClinVar:

ClinVar aggregate classification (germline): Pathogenic/Likely pathogenic. Review status: criteria provided, multiple submitters, no conflicts (2 of 4 stars). 3 submissions from 3 submitters: Pathogenic (1); Likely pathogenic (2). Last evaluated 2020-02-18.

Conditions:
Marfan syndrome (MFS). Also called: MARFAN SYNDROME, TYPE I; FBN1-Related Marfan Syndrome; Marfan syndrome, classic; Marfan syndrome type 1; Marfan's syndrome. Identifiers: Orphanet 284963, Orphanet 558, MedGen C0024796, MONDO:0007947, OMIM 154700.
FBN1-related disorder. Also called: FBN1-related disorders.

Submissions (3):

Blueprint Genetics
Classification: Likely pathogenic for FBN1-related disorders. Last evaluated: 2020-02-18. Review status: criteria provided, single submitter. Criteria: ACMG Guidelines, 2015. Collection method: clinical testing. Allele origin: germline. Affected: yes. Observed: 1 variant allele.

Laboratory for Molecular Medicine, Mass General Brigham Personalized Medicine
Classification: Likely pathogenic for Marfan syndrome. Last evaluated: 2014-02-13. Review status: criteria provided, single submitter. Criteria: ACMG Guidelines, 2015. Collection method: clinical testing. Allele origin: germline. Inheritance: Autosomal dominant inheritance.
Comment: The Gly2423X variant in FBN1 has not been previously reported in individuals with clinical features of Marfan syndrome. Data from large population studies is insufficient to assess the frequency of this variant. This nonsense variant leads to a premature termination codon at position 2423, which is predicted to lead to a truncated or absent protein. In summary, this variant is likely to be pathogenic, though additional studies are required to fully establish its clinical significance.

GeneDx
Classification: Pathogenic. Last evaluated: 2013-10-17. Review status: criteria provided, single submitter. Criteria: GeneDx Variant Classification (06012015). Collection method: clinical testing. Allele origin: germline. Affected: yes.
Comment: p.Gly2423Stop (GGA>TGA): c.7267 G>T in exon 59 of the FBN1 gene (NM_000138.4)The Gly2423Stop mutation in the FBN1 gene has not been reported as a disease-causing mutation or as a benign polymorphism to our knowledge. Gly2423Stop is predicted to cause loss of normal protein function either by protein truncation or nonsense-mediated mRNA decay. Other nonsense mutations in the FBN1 gene have been reported in association with Marfan syndrome. In summary, Gly2423Stop in the FBN1 gene is interpreted as a disease-causing mutation. The variant is found in TAAD panel(s).

NM_000138.5(FBN1):c.7267G>T (p.Gly2423Ter)

Gene: FBN1 (fibrillin 1; minus strand). Cytogenetic location: 15q21.1.
Variant type: single nucleotide variant.
Coding change: c.7267G>T on transcript NM_000138.5 (MANE Select); coding-DNA position 7267, G replaced by T.
Protein change: p.Gly2423Ter; replaces glycine 2423 with a stop codon.
Molecular consequence: nonsense.
Genome position (GRCh38, 1-based): chr15:48,425,802, C>A on the plus strand (G>T on the coding strand, the complement: FBN1 is on the minus strand). VCF-style: chr15-48425802-C-A. GRCh37 (hg19) VCF-style: chr15-48717999-C-A.
Other names: p.G2423X:GGA>TGA; short protein forms G2423*.
Identifiers: ClinVar variation 200111 (VCV000200111.4), dbSNP rs794728271, ClinGen allele CA017147.